The following is an entry in ClinVar:

NM_024675.4(PALB2):c.1359_1360insGT (p.Ser454fs)

Gene: PALB2 (partner and localizer of BRCA2; minus strand). Cytogenetic location: 16p12.2.
Variant type: Insertion.
Coding change: c.1359_1360insGT on transcript NM_024675.4 (MANE Select); coding-DNA positions 1359 to 1360, GT inserted.
Protein change: p.Ser454fs; shifts the reading frame from serine 454.
Molecular consequence: frameshift variant.
Genome position: GRCh38 VCF-style: chr16-23635186-A-AAC. GRCh37 (hg19) VCF-style: chr16-23646507-A-AAC.
Other names: short protein forms S454fs.
Identifiers: ClinVar variation 1370092 (VCV001370092.7), dbSNP rs2142418386, ClinGen allele CA2573152179.
Genomic context (GRCh38, chr16:23,635,186, plus strand): 5'-TTGGTTGTCCTGTGCATGTGCCAGACATCCTAATTTCACTTTGGTCAGTTTCCTCATTGG[A>AAC]AAGGTTTAAATTTTTACTTGCATCCTTATTTTTATTTTTAAACCCTTTTTTCTTGACATC-3'

ClinVar aggregate classification (germline): Pathogenic. Review status: criteria provided, multiple submitters, no conflicts (2 of 4 stars). 2 submissions from 2 submitters: Pathogenic (2). Last evaluated 2023-09-08.

Conditions:
Familial cancer of breast. Also called: hereditary breast carcinoma; Hereditary breast cancer; BREAST CANCER, FAMILIAL. Identifiers: Orphanet 227535, MedGen C0346153, MONDO:0016419, OMIM 114480. Disease mechanism: loss of function.

Submissions (2):

Myriad Genetics, Inc.
Classification: Pathogenic for Familial cancer of breast. Last evaluated: 2023-09-08. Review status: criteria provided, single submitter. Criteria: Myriad Autosomal Dominant, Autosomal Recessive and X-Linked Classification Criteria (2023). Collection method: clinical testing. Allele origin: unknown.
Comment: This variant is considered pathogenic. This variant creates a frameshift predicted to result in premature protein truncation.

Labcorp Genetics (formerly Invitae), Labcorp
Classification: Pathogenic for Familial cancer of breast. Last evaluated: 2022-05-09. Review status: criteria provided, single submitter. Criteria: Invitae Variant Classification Sherloc (09022015). Collection method: clinical testing. Allele origin: germline.
Comment: For these reasons, this variant has been classified as Pathogenic. This sequence change creates a premature translational stop signal (p.Ser454Valfs*32) in the PALB2 gene. It is expected to result in an absent or disrupted protein product. Loss-of-function variants in PALB2 are known to be pathogenic (PMID: 17200668, 17200671, 17200672, 24136930, 25099575). This variant is not present in population databases (gnomAD no frequency). This variant has not been reported in the literature in individuals affected with PALB2-related conditions.

Literature cited by the submitters: PubMed 17200668 (cited by Labcorp Genetics (formerly Invitae), Labcorp); PubMed 17200671 (cited by Labcorp Genetics (formerly Invitae), Labcorp); PubMed 17200672 (cited by Labcorp Genetics (formerly Invitae), Labcorp); PubMed 24136930 (cited by Labcorp Genetics (formerly Invitae), Labcorp); PubMed 25099575 (cited by Labcorp Genetics (formerly Invitae), Labcorp).